The following is an entry in ClinVar:

NM_182914.3(SYNE2):c.1019A>G (p.Asn340Ser)

Gene: SYNE2 (spectrin repeat containing nuclear envelope protein 2; plus strand). Cytogenetic location: 14q23.2.
Variant type: single nucleotide variant.
Coding change: c.1019A>G on transcript NM_182914.3 (MANE Select); coding-DNA position 1019, A replaced by G.
Protein change: p.Asn340Ser; replaces asparagine 340 with serine.
Molecular consequence: missense variant.
Genome position (GRCh38, 1-based): chr14:63,967,737, A>G. VCF-style: chr14-63967737-A-G. GRCh37 (hg19) VCF-style: chr14-64434455-A-G.
Other names: c.1019A>G, p.Asn340Ser (NM_015180.6); short protein forms N340S.
Identifiers: ClinVar variation 1723434 (VCV001723434.8), dbSNP rs762552014, ClinGen allele CA7219308.

ClinVar aggregate classification (germline): Uncertain significance. Review status: criteria provided, multiple submitters, no conflicts (2 of 4 stars). 3 submissions from 3 submitters: Uncertain significance (3). Last evaluated 2024-08-20.

Conditions:
Emery-Dreifuss muscular dystrophy 5, autosomal dominant (EDMD5). Also called: EMERY-DREIFUSS MUSCULAR DYSTROPHY 5. Identifiers: Orphanet 261, MedGen C2751805, MONDO:0013072, OMIM 612999.

Allele frequency attached by ClinVar (database versions not stated): TOPMed 0.00002; gnomAD 0.00003.
gnomAD v4.1: 18 of 1,614,046 alleles (0.0011%); highest among the groups gnomAD compares: Admixed American, 0.0033%; no homozygotes.

Submissions (3):

Labcorp Genetics (formerly Invitae), Labcorp
Classification: Uncertain significance for Emery-Dreifuss muscular dystrophy 5, autosomal dominant. Last evaluated: 2024-08-20. Review status: criteria provided, single submitter. Criteria: Invitae Variant Classification Sherloc (09022015). Collection method: clinical testing. Allele origin: germline.
Comment: This sequence change replaces asparagine, which is neutral and polar, with serine, which is neutral and polar, at codon 340 of the SYNE2 protein (p.Asn340Ser). This variant is present in population databases (rs762552014, gnomAD 0.003%). This variant has not been reported in the literature in individuals affected with SYNE2-related conditions. ClinVar contains an entry for this variant (Variation ID: 1723434). An algorithm developed to predict the effect of missense changes on protein structure and function outputs the following: PolyPhen-2: "Benign". The serine amino acid residue is found in multiple mammalian species, which suggests that this missense change does not adversely affect protein function. In summary, the available evidence is currently insufficient to determine the role of this variant in disease. Therefore, it has been classified as a Variant of Uncertain Significance.

Ambry Genetics
Classification: Uncertain significance. Last evaluated: 2023-05-08. Review status: criteria provided, single submitter. Criteria: Ambry Variant Classification Scheme 2023. Collection method: clinical testing. Allele origin: germline.

Women's Health and Genetics/Laboratory Corporation of America, LabCorp
Classification: Uncertain significance. Last evaluated: 2022-10-03. Review status: criteria provided, single submitter. Criteria: LabCorp Variant Classification Summary - May 2015. Collection method: clinical testing. Allele origin: germline.
Comment: Variant summary: SYNE2 c.1019A>G (p.Asn340Ser) results in a conservative amino acid change in the encoded protein sequence. Four of five in-silico tools predict a benign effect of the variant on protein function. The variant allele was found at a frequency of 1.2e-05 in 249496 control chromosomes. The available data on variant occurrences in the general population are insufficient to allow any conclusion about variant significance. To our knowledge, no occurrence of c.1019A>G in individuals affected with Emery-Dreifuss Muscular Dystrophy 5, Autosomal Dominant and no experimental evidence demonstrating its impact on protein function have been reported. No clinical diagnostic laboratories have submitted clinical-significance assessments for this variant to ClinVar after 2014. Based on the evidence outlined above, the variant was classified as uncertain significance.